The following is an entry in ClinVar:

NM_001384910.1(GUCA1A):c.509dup (p.Thr171fs)

Genes: GUCA1A (guanylate cyclase activator 1A; plus strand), GUCA1ANB-GUCA1A (GUCA1ANB-GUCA1A readthrough; plus strand). Cytogenetic location: 6p21.1.
Variant type: Duplication.
Coding change: c.509dup on transcript NM_001384910.1 (MANE Select); coding-DNA position 509, one base duplicated (T; older notation c.509dupT).
Protein change: p.Thr171fs; shifts the reading frame from threonine 171.
Molecular consequence: frameshift variant.
Genome position (GRCh38, 1-based): chr6:42,179,306, T duplicated. VCF-style (leftmost placement, unchanged base first): chr6-42179305-C-CT. GRCh37 (hg19) VCF-style: chr6-42147043-C-CT.
Other names: c.509dup, p.Thr171fs (NM_000409.5, NM_001319061.2, NM_001319062.2); short protein forms T171fs.
Identifiers: ClinVar variation 1483597 (VCV001483597.6), dbSNP rs750428297, ClinGen allele CA3805430.
Genomic context (GRCh38, chr6:42,179,305, plus strand): 5'-GAACTCTCCCTGGAAGAGTTTATAGAGGGCGTCCAGAAGGACCAGATGCTCCTGGACACA[C>CT]TGACACGAAGCCTGGACCTTACCCGCATCGTGCGCAGGCTCCAGAATGGCGAGCAAGACG-3'

ClinVar aggregate classification (germline): Uncertain significance (1 of 4 stars; one submission).

Allele frequency attached by ClinVar (database versions not stated): gnomAD exomes below 0.00001; ExAC 0.00001.

Submission:

Labcorp Genetics (formerly Invitae), Labcorp
Classification: Uncertain significance. Last evaluated: 2021-10-25. Review status: criteria provided, single submitter. Criteria: Invitae Variant Classification Sherloc (09022015). Collection method: clinical testing. Allele origin: germline.
Comment: This sequence change creates a premature translational stop signal (p.Thr171Aspfs*24) in the GUCA1A gene. While this is not anticipated to result in nonsense mediated decay, it is expected to disrupt the last 31 amino acid(s) of the GUCA1A protein. This variant is present in population databases (rs750428297, gnomAD 0.1%). This variant has not been reported in the literature in individuals affected with GUCA1A-related conditions. In summary, the available evidence is currently insufficient to determine the role of this variant in disease. Therefore, it has been classified as a Variant of Uncertain Significance.